The following is an entry in ClinVar:

ClinVar aggregate classification (germline): Likely pathogenic (1 of 4 stars; one submission).

Conditions:
Hypertrophic cardiomyopathy. Also called: HYPERTROPHIC MYOCARDIOPATHY. Identifiers: Orphanet 217569, MedGen C0007194, MeSH D002312, MONDO:0005045, HP:0001639.

Submission:

Labcorp Genetics (formerly Invitae), Labcorp
Classification: Likely pathogenic for Hypertrophic cardiomyopathy. Last evaluated: 2024-04-17. Review status: criteria provided, single submitter. Criteria: Invitae Variant Classification Sherloc (09022015). Collection method: clinical testing. Allele origin: germline.
Comment: This sequence change affects an acceptor splice site in intron 3 of the TNNI3 gene. It is expected to disrupt RNA splicing. Variants that disrupt the donor or acceptor splice site typically lead to a loss of protein function (PMID: 16199547), and loss-of-function variants in TNNI3 are known to be pathogenic (PMID: 31568572, 34036930, 35838873). This variant is not present in population databases (gnomAD no frequency). This variant has not been reported in the literature in individuals affected with TNNI3-related conditions. ClinVar contains an entry for this variant (Variation ID: 1388943). Algorithms developed to predict the effect of sequence changes on RNA splicing suggest that this variant may disrupt the consensus splice site. In summary, the currently available evidence indicates that the variant is pathogenic, but additional data are needed to prove that conclusively. Therefore, this variant has been classified as Likely Pathogenic.

Literature cited by the submitters: PubMed 16199547; PubMed 31568572; PubMed 34036930; PubMed 35838873.

NM_000363.5(TNNI3):c.109-1G>C

Gene: TNNI3 (troponin I3, cardiac type; minus strand). Cytogenetic location: 19q13.42.
Variant type: single nucleotide variant.
Coding change: c.109-1G>C on transcript NM_000363.5 (MANE Select); the canonical splice acceptor site of the intron before coding-DNA position 109, G replaced by C.
Molecular consequence: splice acceptor variant.
Genome position (GRCh38, 1-based): chr19:55,156,645, C>G on the plus strand (G>C on the coding strand, the complement: TNNI3 is on the minus strand). VCF-style: chr19-55156645-C-G. GRCh37 (hg19) VCF-style: chr19-55668013-C-G.
Identifiers: ClinVar variation 1388943 (VCV001388943.8), dbSNP rs2147285332, ClinGen allele CA407442527.